The following is an entry in ClinVar:

NM_020738.4(KIDINS220):c.659A>G (p.Lys220Arg)

Gene: KIDINS220 (kinase D interacting substrate 220; minus strand). Cytogenetic location: 2p25.1.
Variant type: single nucleotide variant.
Coding change: c.659A>G on transcript NM_020738.4 (MANE Select); coding-DNA position 659, A replaced by G.
Protein change: p.Lys220Arg; replaces lysine 220 with arginine.
Molecular consequence: missense variant. On other transcripts: non-coding transcript variant (2).
Genome position (GRCh38, 1-based): chr2:8,803,072, T>C on the plus strand (A>G on the coding strand, the complement: KIDINS220 is on the minus strand). VCF-style: chr2-8803072-T-C. GRCh37 (hg19) VCF-style: chr2-8943202-T-C.
Other names: c.662A>G, p.Lys221Arg (NM_001348729.2, NM_001348731.2, NM_001348734.2 and 3 more transcripts); c.659A>G, p.Lys220Arg (NM_001348732.2, NM_001348735.2, NM_001348738.2 and 3 more transcripts); c.533A>G, p.Lys178Arg (NM_001348736.2); short protein forms K178R, K221R, K220R.
Identifiers: ClinVar variation 1957780 (VCV001957780.5), dbSNP rs2528161568, ClinGen allele CA345773158.

ClinVar aggregate classification (germline): Uncertain significance (1 of 4 stars; one submission).

Allele frequency attached by ClinVar (database versions not stated): gnomAD exomes below 0.00001.
gnomAD v4.1: 3 of 1,613,060 alleles (0.00019%); highest among the groups gnomAD compares: Non-Finnish European, 0.00025%; no homozygotes.

Submission:

Labcorp Genetics (formerly Invitae), Labcorp
Classification: Uncertain significance. Last evaluated: 2025-02-24. Review status: criteria provided, single submitter. Criteria: Invitae Variant Classification Sherloc (09022015). Collection method: clinical testing. Allele origin: germline.
Comment: This sequence change replaces lysine, which is basic and polar, with arginine, which is basic and polar, at codon 220 of the KIDINS220 protein (p.Lys220Arg). This variant is not present in population databases (gnomAD no frequency). This variant has not been reported in the literature in individuals affected with KIDINS220-related conditions. ClinVar contains an entry for this variant (Variation ID: 1957780). An algorithm developed to predict the effect of missense changes on protein structure and function (PolyPhen-2) suggests that this variant is likely to be disruptive. In summary, the available evidence is currently insufficient to determine the role of this variant in disease. Therefore, it has been classified as a Variant of Uncertain Significance.